The following is an entry in ClinVar:

ClinVar aggregate classification (germline): Likely pathogenic (1 of 4 stars; one submission).

Allele frequency attached by ClinVar (database versions not stated): ExAC 0.00001; gnomAD exomes 0.00001; TOPMed 0.00002; gnomAD 0.00003.
gnomAD v4.1: 16 of 1,613,784 alleles (0.00099%); highest among the groups gnomAD compares: African/African-American, 0.0027%; no homozygotes.

Submission:

Labcorp Genetics (formerly Invitae), Labcorp
Classification: Likely pathogenic. Last evaluated: 2024-02-24. Review status: criteria provided, single submitter. Criteria: Invitae Variant Classification Sherloc (09022015). Collection method: clinical testing. Allele origin: germline.
Comment: This sequence change affects a donor splice site in intron 7 of the VLDLR gene. It is expected to disrupt RNA splicing. Variants that disrupt the donor or acceptor splice site typically lead to a loss of protein function (PMID: 16199547), and loss-of-function variants in VLDLR are known to be pathogenic (PMID: 18043714, 18326629, 22532556). This variant is present in population databases (rs774744705, gnomAD 0.0009%). This variant has not been reported in the literature in individuals affected with VLDLR-related conditions. Algorithms developed to predict the effect of sequence changes on RNA splicing suggest that this variant may disrupt the consensus splice site. In summary, the currently available evidence indicates that the variant is pathogenic, but additional data are needed to prove that conclusively. Therefore, this variant has been classified as Likely Pathogenic.

Literature cited by the submitters: PubMed 16199547; PubMed 18043714; PubMed 18326629; PubMed 22532556.

NM_003383.5(VLDLR):c.1066+1G>A

Gene: VLDLR (very low density lipoprotein receptor; plus strand). Cytogenetic location: 9p24.2.
Variant type: single nucleotide variant.
Coding change: c.1066+1G>A on transcript NM_003383.5 (MANE Select); the canonical splice donor site of the intron after coding-DNA position 1066, G replaced by A.
Molecular consequence: splice donor variant.
Genome position (GRCh38, 1-based): chr9:2,643,960, G>A. VCF-style: chr9-2643960-G-A. GRCh37 (hg19) VCF-style: chr9-2643960-G-A.
Other names: c.943+1G>A (NM_001322226.2, NM_001322225.2); c.1066+1G>A (NM_001018056.3).
Identifiers: ClinVar variation 3016959 (VCV003016959.3), dbSNP rs774744705, ClinGen allele CA4964718.
Genomic context (GRCh38, chr9:2,643,960, plus strand): 5'-AAGTATGTAACCAGGAGCAGGACTGCAGGGACTGGAGTGATGAGCCCCTGAAAGAGTGTC[G>A]TAAGTGTACTTGTTGTTCAAGTACAGATCCTGGAAGTTTGACACAATCCAGTATAGCTAA-3'